The following is an entry in ClinVar:

NM_000384.3(APOB):c.4723A>T (p.Asn1575Tyr)

Gene: APOB (apolipoprotein B; minus strand). Cytogenetic location: 2p24.1.
Variant type: single nucleotide variant.
Coding change: c.4723A>T on transcript NM_000384.3 (MANE Select); coding-DNA position 4723, A replaced by T.
Protein change: p.Asn1575Tyr; replaces asparagine 1575 with tyrosine.
Molecular consequence: missense variant.
Genome position (GRCh38, 1-based): chr2:21,012,145, T>A on the plus strand (A>T on the coding strand, the complement: APOB is on the minus strand). VCF-style: chr2-21012145-T-A. GRCh37 (hg19) VCF-style: chr2-21235017-T-A.
Other names: short protein forms N1575Y.
Identifiers: ClinVar variation 3933222 (VCV003933222.2).

ClinVar aggregate classification (germline): Uncertain significance. Review status: criteria provided, multiple submitters, no conflicts (2 of 4 stars). 2 submissions from 2 submitters: Uncertain significance (2). Last evaluated 2025-05-24.

Conditions:
Familial hypobetalipoproteinemia 1. Also called: APOB-Related Familial Hypobetalipoproteinemia; Hypobetalipoproteinemia, normotriglyceridemic; Acanthocytosis with hypobetalipoproteinemia. Identifiers: MedGen C4551990, MONDO:0014252, OMIM 615558.
Hypercholesterolemia, autosomal dominant, type B (FHCL2). Also called: APOB-Related Familial Hypercholesterolemia, Autosomal Dominant; Familial Hypercholesterolemia Type B; APOLIPOPROTEIN B-100, FAMILIAL DEFECTIVE; APOLIPOPROTEIN B-100, FAMILIAL LIGAND-DEFECTIVE; HYPERCHOLESTEROLEMIA, FAMILIAL, DUE TO LIGAND-DEFECTIVE APOLIPOPROTEIN B; Familial hypercholesterolemia 2. Identifiers: MedGen C1704417, MONDO:0007751, OMIM 144010.
Cardiovascular phenotype. Identifiers: MedGen CN230736.

Submissions (2):

Ambry Genetics
Classification: Uncertain significance for Cardiovascular phenotype. Last evaluated: 2025-05-24. Review status: criteria provided, single submitter. Criteria: Ambry Variant Classification Scheme 2023. Collection method: clinical testing. Allele origin: germline.
Comment: The p.N1575Y variant (also known as c.4723A>T), located in coding exon 26 of the APOB gene, results from an A to T substitution at nucleotide position 4723. The asparagine at codon 1575 is replaced by tyrosine, an amino acid with dissimilar properties. This amino acid position is conserved. In addition, this alteration is predicted to be tolerated by in silico analysis. Based on the available evidence, the clinical significance of this variant remains unclear.

Labcorp Genetics (formerly Invitae), Labcorp
Classification: Uncertain significance for Familial hypobetalipoproteinemia 1; Hypercholesterolemia, autosomal dominant, type B. Last evaluated: 2025-05-11. Review status: criteria provided, single submitter. Criteria: Invitae Variant Classification Sherloc (09022015). Collection method: clinical testing. Allele origin: germline.
Comment: This sequence change replaces asparagine, which is neutral and polar, with tyrosine, which is neutral and polar, at codon 1575 of the APOB protein (p.Asn1575Tyr). This variant is not present in population databases (gnomAD no frequency). This variant has not been reported in the literature in individuals affected with APOB-related conditions. Invitae Evidence Modeling of protein sequence and biophysical properties (such as structural, functional, and spatial information, amino acid conservation, physicochemical variation, residue mobility, and thermodynamic stability) indicates that this missense variant is not expected to disrupt APOB protein function with a negative predictive value of 95%. In summary, the available evidence is currently insufficient to determine the role of this variant in disease. Therefore, it has been classified as a Variant of Uncertain Significance.